The following is an entry in ClinVar:

NM_000059.4(BRCA2):c.4828G>A (p.Val1610Met)

Gene: BRCA2 (BRCA2 DNA repair associated; plus strand). Cytogenetic location: 13q13.1.
Variant type: single nucleotide variant.
Coding change: c.4828G>A on transcript NM_000059.4 (MANE Select); coding-DNA position 4828, G replaced by A.
Protein change: p.Val1610Met; replaces valine 1610 with methionine.
Molecular consequence: missense variant.
Genome position (GRCh38, 1-based): chr13:32,339,183, G>A. VCF-style: chr13-32339183-G-A. GRCh37 (hg19) VCF-style: chr13-32913320-G-A.
Other names: p.V1610M:GTG>ATG; 5056G>A; short protein forms V1610M.
Identifiers: ClinVar variation 37927 (VCV000037927.37), dbSNP rs80358705, ClinGen allele CA020880.
Genomic context (GRCh38, chr13:32,339,183, plus strand): 5'-AAGTGTAAAGAAATGCAGAATTCTCTCAATAATGATAAAAACCTTGTTTCTATTGAGACT[G>A]TGGTGCCACCTAAGCTCTTAAGTGATAATTTATGTAGACAAACTGAAAATCTCAAAACAT-3'
Protein context (NP_000050.3, residues 1600-1620): NDKNLVSIET[Val1610Met]VPPKLLSDNL

ClinVar aggregate classification (germline): Conflicting classifications of pathogenicity. Review status: criteria provided, conflicting classifications (1 of 4 stars). 19 submissions from 18 submitters: Uncertain significance (3); Benign (4); Likely benign (7). 5 of the submissions do not count toward it. Last evaluated 2026-02-04.

Conditions:
Breast and/or ovarian cancer. Identifiers: MedGen CN221562.
BRCA2-related disorder. Also called: BRCA2-related condition; BRCA2-related disorders. Identifiers: MedGen CN239275.
Hereditary cancer-predisposing syndrome. Also called: Hereditary neoplastic syndrome; Tumor predisposition; Hereditary Cancer Syndrome; Neoplastic Syndromes, Hereditary. Identifiers: Orphanet 140162, MedGen C0027672, MeSH D009386, MONDO:0015356.
Hereditary breast ovarian cancer syndrome. Also called: Breast and ovarian cancer; Hereditary breast and/or ovarian cancer syndrome; BRCA1- and BRCA2-Associated Hereditary Breast and Ovarian Cancer; Hereditary breast and ovarian cancer syndrome; Hereditary breast and ovarian cancer; Hereditary breast and ovarian cancer syndrome (HBOC). Identifiers: Orphanet 145, MedGen C0677776, MeSH D061325, MONDO:0003582. Disease mechanism: loss of function.
Fanconi anemia complementation group D1. Also called: BRCA2-Related Fanconi Anemia. Identifiers: Orphanet 319462, MedGen C1838457, MONDO:0011584, OMIM 605724.
Breast-ovarian cancer, familial, susceptibility to, 2 (BROVCA2). Also called: BRCA2 Hereditary Breast and Ovarian Cancer. Identifiers: Orphanet 145, MedGen C2675520, MONDO:0012933, OMIM 612555. Disease mechanism: loss of function.

Allele frequency attached by ClinVar (database versions not stated): TOPMed 0.00004; gnomAD 0.00005 and 0.00006; gnomAD exomes 0.00007 and 0.00010; ExAC 0.00013; ESP Exome Variant Server 0.00015.
gnomAD v4.1: 113 of 1,613,594 alleles (0.007%); highest among the groups gnomAD compares: Non-Finnish European, 0.009%; no homozygotes.

Submissions 1 to 17 of 19:

Labcorp Genetics (formerly Invitae), Labcorp
Classification: Benign for Hereditary breast ovarian cancer syndrome. Last evaluated: 2026-02-04. Review status: criteria provided, single submitter. Criteria: Invitae Variant Classification Sherloc (09022015). Collection method: clinical testing. Allele origin: germline.

PreventionGenetics, part of Exact Sciences
Classification: Likely benign for BRCA2-related condition. Last evaluated: 2025-03-26. Review status: criteria provided, single submitter. Criteria: ACMG Guidelines, 2015. Collection method: clinical testing. Allele origin: germline.
Comment: This variant is classified as likely benign based on ACMG/AMP sequence variant interpretation guidelines (Richards et al. 2015 PMID: 25741868, with internal and published modifications).

Center for Genomic Medicine, Rigshospitalet, Copenhagen University Hospital
Classification: Benign. Last evaluated: 2025-03-04. Review status: criteria provided, single submitter. Criteria: ACMG Guidelines, 2015. Collection method: clinical testing. Allele origin: germline.

University of Washington Department of Laboratory Medicine, University of Washington
Classification: Likely benign for Hereditary cancer-predisposing syndrome. Last evaluated: 2023-03-23. Review status: criteria provided, single submitter. Criteria: Dines et al. (Genet Med. 2020). Collection method: curation. Allele origin: germline.
Comment: Missense variant in a coldspot region where missense variants are very unlikely to be pathogenic (PMID:31911673).

BRCA2 exon 11 coldspot. Reclassification based on statistical prior probability.

CHEO Genetics Diagnostic Laboratory, Children's Hospital of Eastern Ontario
Classification: Uncertain significance for Breast and/or ovarian cancer. Last evaluated: 2023-01-17. Review status: criteria provided, single submitter. Criteria: ACMG Guidelines, 2015. Collection method: clinical testing. Allele origin: germline.

Blueprint Genetics
Classification: Likely benign. Last evaluated: 2022-10-13. Review status: criteria provided, single submitter. Criteria: ACMG Guidelines, 2015. Collection method: clinical testing. Allele origin: germline.

Laboratory for Molecular Medicine, Mass General Brigham Personalized Medicine
Classification: Likely benign. Last evaluated: 2022-05-12. Review status: criteria provided, single submitter. Criteria: ACMG Guidelines, 2015. Collection method: clinical testing. Allele origin: germline.
Comment: The p.Val1610Met variant in BRCA2 is classified as likely benign because it has been identified in 0.02% (24/113094) of European chromosomes by gnomAD. This variant has also been reported in ClinVar (Variation ID 37927). Computational prediction tools and conservation analyses suggest that this variant may not impact the protein, though this information is not predictive enough to rule out pathogenicity. ACMG/AMP Criteria applied: BS1, BP4.

Sema4
Classification: Likely benign for Hereditary cancer-predisposing syndrome. Last evaluated: 2021-05-19. Review status: criteria provided, single submitter. Criteria: Sema4 Curation Guidelines. Collection method: curation. Allele origin: germline.

Women's Health and Genetics/Laboratory Corporation of America, LabCorp
Classification: Benign. Last evaluated: 2020-11-23. Review status: criteria provided, single submitter. Criteria: LabCorp Variant Classification Summary - May 2015. Collection method: clinical testing. Allele origin: germline.
Comment: Variant summary: BRCA2 c.4828G>A (p.Val1610Met) results in a conservative amino acid change in the encoded protein sequence. Five of five in-silico tools predict a benign effect of the variant on protein function. The variant allele was found at a frequency of 9.6e-05 in 250074 control chromosomes, predominantly at a frequency of 0.00021 within the Non-Finnish European subpopulation in the gnomAD database. This frequency is not significantly higher than expected for a pathogenic variant in BRCA2 causing Hereditary Breast and Ovarian Cancer (9.6e-05 vs 0.00075), allowing no conclusion about variant significance. c.4828G>A has been reported in the literature in individuals affected with Breast and Ovarian Cancer (example, Lee_2008, Kote-Jarai_2011, Simard_2007, Caminsky_2016, Jarhelle_2016). These report(s) do not provide unequivocal conclusions about association of the variant with Hereditary Breast and Ovarian Cancer. At-least two known co-occurrences with other pathogenic variant(s) have been reported (UMD database-BRCA1 c.4327C>T, p.Arg1443*; BIC database-BRCA1 c.3481_3491delGAAGATACTAG, p.Glu1161_Ser1164?fs), providing supporting evidence for a benign role. Two recent reports from the CAGI5 (fifth Critical Assessment of Genome Interpretation) challenge have classified this variant as likely benign in a prediction protocol that includes assessment of the impact of this variant on splicing and protein function using four sets of predictors (Padilla_2019, Cline_2019). To our knowledge, no experimental evidence demonstrating an impact on protein function has been reported. Six clinical diagnostic laboratories have submitted clinical-significance assessments for this variant to ClinVar after 2014 without evidence for independent evaluation. Four have classified the variant as Benign/Likely Benign and two classified the variant as uncertain significance citing overlapping references utilized in the context of this evaluation. Based on the evidence outlined above, the variant was re-classified as benign.

GeneDx
Classification: Likely benign. Last evaluated: 2020-07-29. Review status: criteria provided, single submitter. Criteria: GeneDx Variant Classification Process June 2021. Collection method: clinical testing. Allele origin: germline. Affected: yes.
Comment: This variant is associated with the following publications: (PMID: 18284688, 16905680, 26898890, 27495310, 25479140, 21952622, 25348012, 10923033)

Ambry Genetics
Classification: Likely benign for Hereditary cancer-predisposing syndrome. Last evaluated: 2018-10-31. Review status: criteria provided, single submitter. Criteria: Ambry Variant Classification Scheme 2023. Collection method: clinical testing. Allele origin: germline.

Illumina Laboratory Services, Illumina
Classification: Uncertain significance for Fanconi anemia complementation group D1. Last evaluated: 2017-04-28. Review status: criteria provided, single submitter. Criteria: ICSL Variant Classification Criteria 13 December 2019. Collection method: clinical testing. Allele origin: germline.

Illumina Laboratory Services, Illumina
Classification: Uncertain significance for Breast-ovarian cancer, familial, susceptibility to, 2. Last evaluated: 2017-04-28. Review status: criteria provided, single submitter. Criteria: ICSL Variant Classification Criteria 13 December 2019. Collection method: clinical testing. Allele origin: germline.
Comment: This variant was observed as part of a predisposition screen in an ostensibly healthy population. A literature search was performed for the gene, cDNA change, and amino acid change (where applicable). Publications were found based on this search. However, the evidence from the literature, in combination with allele frequency data from public databases where available, was not sufficient to rule this variant in or out of causing disease. Therefore, this variant is classified as a variant of unknown significance.

Color Diagnostics, LLC DBA Color Health
Classification: Benign for Hereditary cancer-predisposing syndrome. Last evaluated: 2017-01-25. Review status: criteria provided, single submitter. Criteria: ACMG Guidelines, 2015. Collection method: clinical testing. Allele origin: germline.

BRCAlab, Lund University
Classification: Likely benign for Breast-ovarian cancer, familial, susceptibility to, 2. Last evaluated: 2020-03-02. Review status: no assertion criteria provided. Collection method: clinical testing. Allele origin: germline. Affected: yes. Not counted in ClinVar's aggregate classification.

Department of Medical Genetics, University Hospital of North Norway
Classification: Uncertain significance for Breast-ovarian cancer, familial, susceptibility to, 2. Last evaluated: 2016-05-01. Review status: no assertion criteria provided. Collection method: clinical testing. Allele origin: germline. Affected: yes. Observed: 1 variant allele. Not counted in ClinVar's aggregate classification.

Sharing Clinical Reports Project (SCRP)
Classification: Benign for Breast-ovarian cancer, familial 2. Last evaluated: 2009-08-31. Review status: no assertion criteria provided. Collection method: clinical testing. Allele origin: germline. Not counted in ClinVar's aggregate classification.